The following is an entry in ClinVar:

NM_018486.3(HDAC8):c.1010dup (p.Thr338fs)

Gene: HDAC8 (histone deacetylase 8; minus strand). Cytogenetic location: Xq13.1.
Variant type: Duplication.
Coding change: c.1010dup on transcript NM_018486.3 (MANE Select); coding-DNA position 1010, one base duplicated (T; older notation c.1010dupT).
Protein change: p.Thr338fs; shifts the reading frame from threonine 338.
Molecular consequence: frameshift variant. On other transcripts: non-coding transcript variant (1).
Genome position (GRCh38, 1-based): chrX:72,351,834, A duplicated on the plus strand (T on the coding strand, the reverse complement: HDAC8 is on the minus strand); the first of 5 consecutive A bases (chrX:72,351,834-72,351,838); duplicating any one gives the same sequence. VCF-style (leftmost placement, unchanged base first): chrX-72351833-G-GA. GRCh37 (hg19) VCF-style: chrX-71571683-G-GA.
Other names: c.1010dupT (NM_018486.3); c.737dup, p.Thr247fs (NM_001166418.2, NM_001410728.1); c.1010dup, p.Thr338fs (NM_001410725.1); c.932dup, p.Thr312fs (NM_001410727.1); short protein forms T247fs, T312fs, T338fs.
Identifiers: ClinVar variation 2691318 (VCV002691318.1), dbSNP rs2519784773, ClinGen allele CA2697553174.

ClinVar aggregate classification (germline): Pathogenic (1 of 4 stars; one submission).

Conditions:
Cornelia de Lange syndrome 5 (CDLS5). Also called: HDAC8-Related Cornelia de Lange Syndrome. Identifiers: Orphanet 199, MedGen C3550903, MONDO:0010471, OMIM 300882.

Submission:

Women's Health and Genetics/Laboratory Corporation of America, LabCorp
Classification: Pathogenic for Cornelia de Lange syndrome 5. Last evaluated: 2023-12-18. Review status: criteria provided, single submitter. Criteria: LabCorp Variant Classification Summary - May 2015. Collection method: clinical testing. Allele origin: germline.
Comment: Variant summary: HDAC8 c.1010dupT (p.Thr338HisfsX6) results in a premature termination codon, predicted to cause a truncation of the encoded protein or absence of the protein due to nonsense mediated decay, which are commonly known mechanisms for disease. The variant was absent in 177549 control chromosomes (gnomAD). To our knowledge, no occurrence of c.1010dupT in individuals affected with Cornelia De Lange Syndrome 5 and no experimental evidence demonstrating its impact on protein function have been reported. No submitters have cited clinical-significance assessments for this variant to ClinVar after 2014. Based on the evidence outlined above, the variant was classified as pathogenic.